The following is an entry in ClinVar:

NM_001267550.2(TTN):c.39463+2T>C

Gene: TTN (titin; minus strand). Cytogenetic location: 2q31.2.
Variant type: single nucleotide variant.
Coding change: c.39463+2T>C on transcript NM_001267550.2 (MANE Select); the canonical splice donor site of the intron after coding-DNA position 39463, T replaced by C.
Molecular consequence: splice donor variant. On other transcripts: intron variant (3).
Genome position (GRCh38, 1-based): chr2:178,651,664, A>G on the plus strand (T>C on the coding strand, the complement: TTN is on the minus strand). VCF-style: chr2-178651664-A-G. GRCh37 (hg19) VCF-style: chr2-179516391-A-G.
Other names: c.13283-9347T>C (NM_003319.4); c.13859-9347T>C (NM_133437.4); c.13658-9347T>C (NM_133432.3); c.32161+2T>C (NM_133378.4); c.34942+2T>C (NM_001256850.1).
Identifiers: ClinVar variation 809011 (VCV000809011.16), dbSNP rs1576956162, ClinGen allele CA349456197.

ClinVar aggregate classification (germline): Conflicting classifications of pathogenicity. Review status: criteria provided, conflicting classifications (1 of 4 stars). 2 submissions from 2 submitters: Likely pathogenic (1); Uncertain significance (1). Last evaluated 2024-08-06.

Conditions:
Dilated cardiomyopathy 1G (CMD1G). Identifiers: Orphanet 154, MedGen C1858763, MONDO:0011400, OMIM 604145.
Autosomal recessive limb-girdle muscular dystrophy type 2J (LGMDR10). Also called: Limb-girdle muscular dystrophy, type 2J; MUSCULAR DYSTROPHY, LIMB-GIRDLE, AUTOSOMAL RECESSIVE 10. Identifiers: Orphanet 140922, MedGen C1837342, MONDO:0012127, OMIM 608807.

Submissions (2):

Labcorp Genetics (formerly Invitae), Labcorp
Classification: Likely pathogenic for Dilated cardiomyopathy 1G; Autosomal recessive limb-girdle muscular dystrophy type 2J. Last evaluated: 2024-08-06. Review status: criteria provided, single submitter. Criteria: Invitae Variant Classification Sherloc (09022015). Collection method: clinical testing. Allele origin: germline.
Comment: This sequence change affects a donor splice site in intron 206 of the TTN gene. It is expected to disrupt RNA splicing and likely results in a truncated or disrupted TTN protein. This variant is not present in population databases (gnomAD no frequency). This variant has not been reported in the literature in individuals affected with TTN-related conditions. ClinVar contains an entry for this variant (Variation ID: 809011). Algorithms developed to predict the effect of sequence changes on RNA splicing suggest that this variant may disrupt the consensus splice site. This variant is located in the I band of TTN (PMID: 25589632). Truncating variants in this region have been reported in individuals affected with autosomal recessive centronuclear myopathy (PMID: 23975875, Invitae internal data). Truncating variants in this region have also been identified in individuals affected with autosomal dominant dilated cardiomyopathy and/or cardio-related conditions (PMID: 27869827, 32964742, Invitae internal data). In summary, the currently available evidence indicates that the variant is pathogenic, but additional data are needed to prove that conclusively. Therefore, this variant has been classified as Likely Pathogenic.

AiLife Diagnostics
Classification: Uncertain significance. Last evaluated: 2022-02-25. Review status: criteria provided, single submitter. Criteria: ACMG Guidelines, 2015. Collection method: clinical testing. Allele origin: germline. Affected: yes. Observed: 1 variant allele.

Literature cited by the submitters: PubMed 25589632 (cited by Labcorp Genetics (formerly Invitae), Labcorp); PubMed 23975875 (cited by Labcorp Genetics (formerly Invitae), Labcorp); PubMed 27869827 (cited by Labcorp Genetics (formerly Invitae), Labcorp); PubMed 32964742 (cited by Labcorp Genetics (formerly Invitae), Labcorp).